The following is an entry in ClinVar:

NM_213599.3(ANO5):c.2080C>T (p.Pro694Ser)

Gene: ANO5 (anoctamin 5; plus strand). Cytogenetic location: 11p14.3.
Variant type: single nucleotide variant.
Coding change: c.2080C>T on transcript NM_213599.3 (MANE Select); coding-DNA position 2080, C replaced by T.
Protein change: p.Pro694Ser; replaces proline 694 with serine.
Molecular consequence: missense variant.
Genome position (GRCh38, 1-based): chr11:22,272,834, C>T. VCF-style: chr11-22272834-C-T. GRCh37 (hg19) VCF-style: chr11-22294380-C-T.
Other names: c.2077C>T, p.Pro693Ser (NM_001142649.2); short protein forms P694S, P693S.
Identifiers: ClinVar variation 283234 (VCV000283234.12), dbSNP rs886042582, ClinGen allele CA10604433.

ClinVar aggregate classification (germline): Uncertain significance. Review status: criteria provided, multiple submitters, no conflicts (2 of 4 stars). 2 submissions from 2 submitters: Uncertain significance (2). Last evaluated 2024-02-23.

Conditions:
Gnathodiaphyseal dysplasia (GDD). Also called: GNATHODIAPHYSEAL SCLEROSIS; OSTEOGENESIS IMPERFECTA WITH UNUSUAL SKELETAL LESIONS. Identifiers: Orphanet 53697, MedGen C1833736, MONDO:0008151, OMIM 166260.
Autosomal recessive limb-girdle muscular dystrophy type 2L (LGMDR12). Also called: Limb-girdle muscular dystrophy, type 2L; Limb-Girdle Muscular Dystrophy R12 Anoctamin-5-Related (LGMD-R12); MUSCULAR DYSTROPHY, LIMB-GIRDLE, AUTOSOMAL RECESSIVE 12. Identifiers: Orphanet 206549, MedGen C1969785, MONDO:0012652, OMIM 611307.

Submissions (2):

Labcorp Genetics (formerly Invitae), Labcorp
Classification: Uncertain significance for Autosomal recessive limb-girdle muscular dystrophy type 2L; Gnathodiaphyseal dysplasia. Last evaluated: 2024-02-23. Review status: criteria provided, single submitter. Criteria: Invitae Variant Classification Sherloc (09022015). Collection method: clinical testing. Allele origin: germline.
Comment: This sequence change replaces proline, which is neutral and non-polar, with serine, which is neutral and polar, at codon 694 of the ANO5 protein (p.Pro694Ser). This variant is not present in population databases (gnomAD no frequency). This missense change has been observed in individual(s) with limb-girdle muscular dystrophy (PMID: 30564623). ClinVar contains an entry for this variant (Variation ID: 283234). Advanced modeling of protein sequence and biophysical properties (such as structural, functional, and spatial information, amino acid conservation, physicochemical variation, residue mobility, and thermodynamic stability) performed at Invitae indicates that this missense variant is expected to disrupt ANO5 protein function with a positive predictive value of 95%. In summary, the available evidence is currently insufficient to determine the role of this variant in disease. Therefore, it has been classified as a Variant of Uncertain Significance.

Eurofins Ntd Llc (ga)
Classification: Uncertain significance. Last evaluated: 2015-12-07. Review status: criteria provided, single submitter. Criteria: EGL Classification Definitions 2015. Collection method: clinical testing. Allele origin: germline. Observed: 1 variant allele, 1 heterozygote.

Literature cited by the submitters: PubMed 30564623 (cited by Labcorp Genetics (formerly Invitae), Labcorp).